The following is an entry in ClinVar:

ClinVar aggregate classification (germline): Uncertain significance. Review status: criteria provided, multiple submitters, no conflicts (2 of 4 stars). 2 submissions from 2 submitters: Uncertain significance (2). Last evaluated 2023-01-13.

Conditions:
Neutral lipid storage myopathy (NLSDM). Also called: NEUTRAL LIPID STORAGE DISEASE WITHOUT ICHTHYOSIS. Identifiers: Orphanet 98908, MedGen C1853136, MONDO:0012545, OMIM 610717.

Allele frequency attached by ClinVar (database versions not stated): ExAC 0.00002; TOPMed 0.00011; 1000 Genomes Project 30x 0.00016; 1000 Genomes Project 0.00040.
gnomAD v4.1: 21 of 1,608,158 alleles (0.0013%); highest among the groups gnomAD compares: African/African-American, 0.027%; no homozygotes.

Submissions (2):

Revvity Omics, Revvity
Classification: Uncertain significance for Neutral lipid storage myopathy. Last evaluated: 2023-01-13. Review status: criteria provided, single submitter. Criteria: ACMG Guidelines, 2015. Collection method: clinical testing. Allele origin: germline.

Labcorp Genetics (formerly Invitae), Labcorp
Classification: Uncertain significance for Neutral lipid storage myopathy. Last evaluated: 2022-06-04. Review status: criteria provided, single submitter. Criteria: Invitae Variant Classification Sherloc (09022015). Collection method: clinical testing. Allele origin: germline.
Comment: In summary, the available evidence is currently insufficient to determine the role of this variant in disease. Therefore, it has been classified as a Variant of Uncertain Significance. Algorithms developed to predict the effect of missense changes on protein structure and function (SIFT, PolyPhen-2, Align-GVGD) all suggest that this variant is likely to be tolerated. ClinVar contains an entry for this variant (Variation ID: 962772). This variant has not been reported in the literature in individuals affected with PNPLA2-related conditions. This variant is present in population databases (rs569211679, gnomAD 0.04%). This sequence change replaces alanine, which is neutral and non-polar, with serine, which is neutral and polar, at codon 263 of the PNPLA2 protein (p.Ala263Ser).

NM_020376.4(PNPLA2):c.787G>T (p.Ala263Ser)

Gene: PNPLA2 (patatin like domain 2, triacylglycerol lipase; plus strand). Cytogenetic location: 11p15.5.
Variant type: single nucleotide variant.
Coding change: c.787G>T on transcript NM_020376.4 (MANE Select); coding-DNA position 787, G replaced by T.
Protein change: p.Ala263Ser; replaces alanine 263 with serine.
Molecular consequence: missense variant.
Genome position (GRCh38, 1-based): chr11:823,723, G>T. VCF-style: chr11-823723-G-T. GRCh37 (hg19) VCF-style: chr11-823723-G-T.
Other names: short protein forms A263S.
Identifiers: ClinVar variation 962772 (VCV000962772.13), dbSNP rs569211679, ClinGen allele CA5791181.